The following is an entry in ClinVar:

ClinVar aggregate classification (germline): Uncertain significance (1 of 4 stars; one submission).

gnomAD v4.1: 2 of 1,614,154 alleles (0.00012%); highest among the groups gnomAD compares: Non-Finnish European, 0.00017%; no homozygotes.

Submission:

Labcorp Genetics (formerly Invitae), Labcorp
Classification: Uncertain significance. Last evaluated: 2024-12-16. Review status: criteria provided, single submitter. Criteria: Invitae Variant Classification Sherloc (09022015). Collection method: clinical testing. Allele origin: germline.
Comment: This sequence change replaces glutamine, which is neutral and polar, with histidine, which is basic and polar, at codon 214 of the POLE protein (p.Gln214His). This variant is not present in population databases (gnomAD no frequency). This variant has not been reported in the literature in individuals affected with POLE-related conditions. ClinVar contains an entry for this variant (Variation ID: 836254). Invitae Evidence Modeling of protein sequence and biophysical properties (such as structural, functional, and spatial information, amino acid conservation, physicochemical variation, residue mobility, and thermodynamic stability) indicates that this missense variant is not expected to disrupt POLE protein function with a negative predictive value of 80%. In summary, the available evidence is currently insufficient to determine the role of this variant in disease. Therefore, it has been classified as a Variant of Uncertain Significance.

NM_006231.4(POLE):c.642G>T (p.Gln214His)

Gene: POLE (DNA polymerase epsilon, catalytic subunit; minus strand). Cytogenetic location: 12q24.33.
Variant type: single nucleotide variant.
Coding change: c.642G>T on transcript NM_006231.4 (MANE Select); coding-DNA position 642, G replaced by T.
Protein change: p.Gln214His; replaces glutamine 214 with histidine.
Molecular consequence: missense variant.
Genome position (GRCh38, 1-based): chr12:132,677,656, C>A on the plus strand (G>T on the coding strand, the complement: POLE is on the minus strand). VCF-style: chr12-132677656-C-A. GRCh37 (hg19) VCF-style: chr12-133254242-C-A.
Other names: short protein forms Q214H.
Identifiers: ClinVar variation 836254 (VCV000836254.9), dbSNP rs1295500711, ClinGen allele CA387365134.
Genomic context (GRCh38, chr12:132,677,656, plus strand): 5'-AATGGAGAGGCGGATGTGGTAGGGAACATCGTACTCGCGCATGTCCACAATGTTGTCCAA[C>A]TGGTCAGCTATCTTCTTAGAGGTTTCCTCTTCATCAGTAATGACACCGCCCCTCTGCAGA-3'
Protein context (NP_006222.2, residues 204-224): EEETSKKIAD[Gln214His]LDNIVDMREY